The following is an entry in ClinVar:

ClinVar aggregate classification (germline): Likely benign (1 of 4 stars; one submission).

Submission:

CeGaT Center for Human Genetics Tuebingen
Classification: Likely benign. Last evaluated: 2026-07-01. Review status: criteria provided, single submitter. Criteria: CeGaT Center For Human Genetics Tuebingen Variant Classification Criteria Version 2. Collection method: clinical testing. Allele origin: germline. Affected: yes. Observed: 1 variant allele.
Comment: TNPO2: BP4

NM_001382241.1(TNPO2):c.771+8_771+14del

Gene: TNPO2 (transportin 2; minus strand). Cytogenetic location: 19p13.13.
Variant type: Deletion.
Coding change: c.771+8_771+14del on transcript NM_001382241.1 (MANE Select); bases 8 to 14 of the intron after coding-DNA position 771, 7 bases deleted (TGGTCAA; older notation c.771+8_771+14delTGGTCAA).
Molecular consequence: intron variant.
Genome position (GRCh38, 1-based): chr19:12,715,033-12,715,039, TTGACCA deleted on the plus strand (TGGTCAA on the coding strand, the reverse complement: TNPO2 is on the minus strand); deleting any 7 consecutive bases within chr19:12,715,033-12,715,040 gives the same sequence; the c. name uses the placement nearest the transcript's 3' end. VCF-style (leftmost placement, unchanged base first): chr19-12715032-CTTGACCA-C. GRCh37 (hg19) VCF-style: chr19-12825846-CTTGACCA-C.
Other names: c.771+8_771+14del (NM_001382237.1, NM_001382240.1, NM_001382238.1 and 7 more transcripts).
Identifiers: ClinVar variation 5038475 (VCV005038475.1).